The following is an entry in ClinVar:

ClinVar aggregate classification (germline): Uncertain significance (1 of 4 stars; one submission).

Submission:

Labcorp Genetics (formerly Invitae), Labcorp
Classification: Uncertain significance. Last evaluated: 2025-05-05. Review status: criteria provided, single submitter. Criteria: Invitae Variant Classification Sherloc (09022015). Collection method: clinical testing. Allele origin: germline.
Comment: This sequence change creates a premature translational stop signal (p.Leu538Cysfs*7) in the GSN gene. It is expected to result in an absent or disrupted protein product. However, the current clinical and genetic evidence is not sufficient to establish whether loss-of-function variants in GSN cause disease. This variant is not present in population databases (gnomAD no frequency). This variant has not been reported in the literature in individuals affected with GSN-related conditions. ClinVar contains an entry for this variant (Variation ID: 3684742). In summary, the available evidence is currently insufficient to determine the role of this variant in disease. Therefore, it has been classified as a Variant of Uncertain Significance.

NM_198252.3(GSN):c.1459del (p.Leu487fs)

Gene: GSN (gelsolin; plus strand). Cytogenetic location: 9q33.2.
Variant type: Deletion.
Coding change: c.1459del on transcript NM_198252.3 (MANE Select); coding-DNA position 1459, one base deleted (C; older notation c.1459delC).
Protein change: p.Leu487fs; shifts the reading frame from leucine 487.
Molecular consequence: frameshift variant.
Genome position (GRCh38, 1-based): chr9:121,326,554, C deleted; the last of 2 consecutive C bases (chr9:121,326,553-121,326,554); deleting either gives the same sequence. VCF-style (leftmost placement, unchanged base first): chr9-121326552-GC-G. GRCh37 (hg19) VCF-style: chr9-124088830-GC-G.
Other names: c.1612del, p.Leu538fs (NM_000177.5); c.1459del, p.Leu487fs (NM_001127662.2, NM_001127664.2, NM_001127665.2 and 10 more transcripts); c.1567del, p.Leu523fs (NM_001127663.2); c.1492del, p.Leu498fs (NM_001127666.2, NM_001127667.2, NM_001353063.2 and 13 more transcripts); c.1510del, p.Leu504fs (NM_001258029.2); c.1483del, p.Leu495fs (NM_001258030.2); c.1531del, p.Leu511fs (NM_001353076.2); c.805del, p.Leu269fs (NM_001353078.2); short protein forms L269fs, L487fs, L511fs, L523fs, L498fs, L495fs, L504fs, L538fs.
Identifiers: ClinVar variation 3684742 (VCV003684742.2).
Genomic context (GRCh38, chr9:121,326,552, plus strand): 5'-CTCTCCTGTCTCCCTGCCAGAGCCGTGTGGTCCAAGGCAAGGAGCCCGCCCACCTCATGA[GC>G]CTGTTTGGTGGGAAGCCCATGATCATCTACAAGGGCGGCACCTCCCGCGAGGGCGGGCAG-3'